The following is an entry in ClinVar:

NM_000426.4(LAMA2):c.5466_5467delinsGG (p.Ser1823Gly)

Gene: LAMA2 (laminin subunit alpha 2; plus strand). Cytogenetic location: 6q22.33.
Variant type: Indel.
Coding change: c.5466_5467delinsGG on transcript NM_000426.4 (MANE Select); coding-DNA positions 5466 to 5467, AA replaced by GG.
Protein change: p.Ser1823Gly; replaces serine 1823 with glycine.
Molecular consequence: missense variant.
Genome position (GRCh38, 1-based): chr6:129,401,244-129,401,245, AA replaced by GG. VCF-style: chr6-129401244-AA-GG. GRCh37 (hg19) VCF-style: chr6-129722389-AA-GG.
Other names: c.5466_5467delinsGG, p.Ser1823Gly (NM_001079823.2); c.5466_5467delAAinsGG (NM_000426.3); short protein forms S1823G.
Identifiers: ClinVar variation 477488 (VCV000477488.7), dbSNP rs1554289612, ClinGen allele CA658657616.

ClinVar aggregate classification (germline): Uncertain significance (1 of 4 stars; one submission).

Conditions:
LAMA2-related muscular dystrophy (LAMA2-RD). Also called: Laminin alpha 2-related dystrophy. Identifiers: MedGen C5679788, MONDO:0100228.

Submission:

Labcorp Genetics (formerly Invitae), Labcorp
Classification: Uncertain significance for LAMA2-related muscular dystrophy. Last evaluated: 2017-05-20. Review status: criteria provided, single submitter. Criteria: Invitae Variant Classification Sherloc (09022015). Collection method: clinical testing. Allele origin: germline.
Comment: Algorithms developed to predict the effect of missense changes on protein structure and function output the following: SIFT: "Tolerated"; PolyPhen-2: "Benign"; Align-GVGD: "Class C0". The glycine amino acid residue is found in multiple mammalian species, suggesting that this missense change does not adversely affect protein function. These predictions have not been confirmed by published functional studies and their clinical significance is uncertain. This sequence change replaces serine with glycine at codon 1823 of the LAMA2 protein (p.Ser1823Gly). The serine residue is weakly conserved and there is a small physicochemical difference between serine and glycine. This variant is not present in population databases (ExAC no frequency). This variant has not been reported in the literature in individuals with a LAMA2-related disease. In summary, this variant has uncertain impact on LAMA2 function. The available evidence is currently insufficient to determine its role in disease. Therefore, it has been classified as a Variant of Uncertain Significance.